The following is an entry in ClinVar:

ClinVar aggregate classification (germline): Uncertain significance (1 of 4 stars; one submission).

Allele frequency attached by ClinVar (database versions not stated): 1000 Genomes Project 30x 0.00016.
gnomAD v4.1: 46 of 1,613,448 alleles (0.0029%); highest among the groups gnomAD compares: East Asian, 0.094%; no homozygotes.

Submission:

Labcorp Genetics (formerly Invitae), Labcorp
Classification: Uncertain significance. Last evaluated: 2022-11-01. Review status: criteria provided, single submitter. Criteria: Invitae Variant Classification Sherloc (09022015). Collection method: clinical testing. Allele origin: germline.
Comment: This sequence change replaces proline, which is neutral and non-polar, with leucine, which is neutral and non-polar, at codon 1299 of the MPDZ protein (p.Pro1299Leu). This variant is present in population databases (rs187434398, gnomAD 0.09%). This variant has not been reported in the literature in individuals affected with MPDZ-related conditions. ClinVar contains an entry for this variant (Variation ID: 1351493). Algorithms developed to predict the effect of missense changes on protein structure and function output the following: SIFT: "Tolerated"; PolyPhen-2: "Benign"; Align-GVGD: "Class C0". The leucine amino acid residue is found in multiple mammalian species, which suggests that this missense change does not adversely affect protein function. In summary, the available evidence is currently insufficient to determine the role of this variant in disease. Therefore, it has been classified as a Variant of Uncertain Significance.

NM_001378778.1(MPDZ):c.3896C>T (p.Pro1299Leu)

Gene: MPDZ (multiple PDZ domain crumbs cell polarity complex component; minus strand). Cytogenetic location: 9p23.
Variant type: single nucleotide variant.
Coding change: c.3896C>T on transcript NM_001378778.1 (MANE Select); coding-DNA position 3896, C replaced by T.
Protein change: p.Pro1299Leu; replaces proline 1299 with leucine.
Molecular consequence: missense variant.
Genome position (GRCh38, 1-based): chr9:13,140,094, G>A on the plus strand (C>T on the coding strand, the complement: MPDZ is on the minus strand). VCF-style: chr9-13140094-G-A. GRCh37 (hg19) VCF-style: chr9-13140093-G-A.
Other names: c.3797C>T, p.Pro1266Leu (NM_001261406.2, NM_001261407.2, NM_001375416.1 and 3 more transcripts); c.3896C>T, p.Pro1299Leu (NM_001330637.2, NM_001375413.1, NM_003829.5); c.3686C>T, p.Pro1229Leu (NM_001375420.1, NM_001375421.1, NM_001375422.1 and 4 more transcripts); c.3488C>T, p.Pro1163Leu (NM_001375427.1); short protein forms P1229L, P1163L, P1299L, P1266L.
Identifiers: ClinVar variation 1351493 (VCV001351493.3), dbSNP rs187434398, ClinGen allele CA4986919.